The following is an entry in ClinVar:

NM_032444.4(SLX4):c.2909AAG[1] (p.Glu971del)

Gene: SLX4 (SLX4 structure-specific endonuclease subunit; minus strand). Cytogenetic location: 16p13.3.
Variant type: Microsatellite.
Coding change: c.2909AAG[1] on transcript NM_032444.4 (MANE Select); one copy of the 3-base unit AAG starting at c.2909; the reference has two copies in a row; one copy, 3 bases deleted; also written c.2912_2914del.
Protein change: p.Glu971del; deletes glutamic acid 971.
Genome position (GRCh38, 1-based): chr16:3,590,724-3,590,726, CTT deleted on the plus strand (AAG on the coding strand, the reverse complement: SLX4 is on the minus strand); deleting any 3 consecutive bases within chr16:3,590,724-3,590,729 gives the same sequence; the position shown is the placement nearest the transcript's 3' end. VCF-style (leftmost placement, unchanged base first): chr16-3590723-CCTT-C. GRCh37 (hg19) VCF-style: chr16-3640724-CCTT-C.
Other names: c.2912_2914del (NM_032444.4); short protein forms E971del.
Identifiers: ClinVar variation 3376375 (VCV003376375.1).
Genomic context (GRCh38, chr16:3,590,723, plus strand): 5'-CCCTGAGTTGATGAGAAGAGCTGTTCGTAATCCCCGGCATCATCTGAGTGCGGAAGAGAG[CCTT>C]CTTTTCTCTCTGCCTGGCAGTCCCTGGAAGGGCTGGAGCAGCTGGAATGGCCAAGCGCCT-3'

ClinVar aggregate classification (germline): Uncertain significance (1 of 4 stars; one submission).

Conditions:
Fanconi anemia complementation group P. Also called: SLX4-Related Fanconi Anemia. Identifiers: Orphanet 84, MedGen C3469542, MONDO:0013499, OMIM 613951.

Submission:

Pittsburgh Clinical Genomics Laboratory, University of Pittsburgh Medical Center
Classification: Uncertain significance for Fanconi anemia complementation group P. Last evaluated: 2024-01-30. Review status: criteria provided, single submitter. Criteria: ACMG Guidelines, 2015. Collection method: clinical testing. Allele origin: germline. Inheritance: Autosomal recessive inheritance. Affected: yes.
Comment: This sequence variant is an in-frame deletion of 3 nucleotides spanning positions 2912 through 2914 of the coding sequence of the SLX4 gene that removes Glu971 of the SLX4 structure-specific endonuclease subunit protein. This variant is absent from ClinVar and publications. This variant is present in 1 of 628698 alleles (0.0001591%) in the gnomAD v4.0.0 population dataset. Predictions from bioinformatic tools are inconclusive for this variant, and the Glu971 residue at this position is moderately conserved across the vertebrate species examined. Studies examining the functional consequence of this variant have not been performed, to our knowledge. At this time, there is insufficient evidence to determine if this variant is pathogenic or benign. Therefore, we consider this a variant of uncertain significance. ACMG Criteria: PM2, PM4